The following is an entry in ClinVar:

NM_015139.3(SLC35D1):c.325-3T>C

Gene: SLC35D1 (solute carrier family 35 member D1; minus strand). Cytogenetic location: 1p31.3.
Variant type: single nucleotide variant.
Coding change: c.325-3T>C on transcript NM_015139.3 (MANE Select); 3 bases into the intron before coding-DNA position 325, T replaced by C.
Molecular consequence: intron variant.
Genome position (GRCh38, 1-based): chr1:67,052,082, A>G on the plus strand (T>C on the coding strand, the complement: SLC35D1 is on the minus strand). VCF-style: chr1-67052082-A-G. GRCh37 (hg19) VCF-style: chr1-67517765-A-G.
Identifiers: ClinVar variation 1445889 (VCV001445889.6), dbSNP rs762963339, ClinGen allele CA899059.

ClinVar aggregate classification (germline): Uncertain significance (1 of 4 stars; one submission).

Conditions:
Schneckenbecken dysplasia. Identifiers: Orphanet 3144, MedGen C0432194, MONDO:0010013, OMIM 269250.

Allele frequency attached by ClinVar (database versions not stated): gnomAD exomes below 0.00001 and 0.00001; ExAC 0.00001; TOPMed 0.00003; gnomAD 0.00005 and 0.00006.
gnomAD v4.1: 12 of 1,593,414 alleles (0.00075%); highest among the groups gnomAD compares: African/African-American, 0.016%; no homozygotes.

Submission:

Labcorp Genetics (formerly Invitae), Labcorp
Classification: Uncertain significance for Schneckenbecken dysplasia. Last evaluated: 2021-09-04. Review status: criteria provided, single submitter. Criteria: Invitae Variant Classification Sherloc (09022015). Collection method: clinical testing. Allele origin: germline.
Comment: Nucleotide substitutions within the consensus splice site are a relatively common cause of aberrant splicing (PMID: 17576681, 9536098). Algorithms developed to predict the effect of sequence changes on RNA splicing suggest that this variant is not likely to affect RNA splicing. In summary, the available evidence is currently insufficient to determine the role of this variant in disease. Therefore, it has been classified as a Variant of Uncertain Significance. This variant has not been reported in the literature in individuals affected with SLC35D1-related conditions. This variant is present in population databases (rs762963339, ExAC 0.01%). This sequence change falls in intron 3 of the SLC35D1 gene. It does not directly change the encoded amino acid sequence of the SLC35D1 protein. It affects a nucleotide within the consensus splice site of the intron.

Literature cited by the submitters: PubMed 17576681; PubMed 9536098.